The following is an entry in ClinVar:

NM_003476.5(CSRP3):c.479C>A (p.Thr160Asn)

Gene: CSRP3 (cysteine and glycine rich protein 3; minus strand). Cytogenetic location: 11p15.1.
Variant type: single nucleotide variant.
Coding change: c.479C>A on transcript NM_003476.5 (MANE Select); coding-DNA position 479, C replaced by A.
Protein change: p.Thr160Asn; replaces threonine 160 with asparagine.
Molecular consequence: missense variant.
Genome position (GRCh38, 1-based): chr11:19,184,981, G>T on the plus strand (C>A on the coding strand, the complement: CSRP3 is on the minus strand). VCF-style: chr11-19184981-G-T. GRCh37 (hg19) VCF-style: chr11-19206528-G-T.
Other names: c.479C>A, p.Thr160Asn (NM_001127656.1); c.310C>A, p.Leu104Met (NM_001369404.1); short protein forms T160N, L104M.
Identifiers: ClinVar variation 2940456 (VCV002940456.2), dbSNP rs2494218580, ClinGen allele CA379887669.

ClinVar aggregate classification (germline): Uncertain significance (1 of 4 stars; one submission).

Conditions:
Hypertrophic cardiomyopathy 12. Identifiers: MedGen C2677491, MONDO:0012804, OMIM 612124.
Dilated cardiomyopathy 1M (CMD1M). Identifiers: Orphanet 154, MedGen C1843808, MONDO:0011840, OMIM 607482.

Allele frequency attached by ClinVar (database versions not stated): gnomAD exomes below 0.00001.
gnomAD v4.1: 6 of 1,614,022 alleles (0.00037%); highest among the groups gnomAD compares: Non-Finnish European, 0.00051%; no homozygotes.

Submission:

Labcorp Genetics (formerly Invitae), Labcorp
Classification: Uncertain significance for Hypertrophic cardiomyopathy 12; Dilated cardiomyopathy 1M. Last evaluated: 2025-02-28. Review status: criteria provided, single submitter. Criteria: Invitae Variant Classification Sherloc (09022015). Collection method: clinical testing. Allele origin: germline.
Comment: This sequence change replaces threonine, which is neutral and polar, with asparagine, which is neutral and polar, at codon 160 of the CSRP3 protein (p.Thr160Asn). This variant is not present in population databases (gnomAD no frequency). This variant has not been reported in the literature in individuals affected with CSRP3-related conditions. ClinVar contains an entry for this variant (Variation ID: 2940456). An algorithm developed to predict the effect of missense changes on protein structure and function (PolyPhen-2) suggests that this variant is likely to be disruptive. In summary, the available evidence is currently insufficient to determine the role of this variant in disease. Therefore, it has been classified as a Variant of Uncertain Significance.